The following is an entry in ClinVar:

ClinVar aggregate classification (germline): Uncertain significance (1 of 4 stars; one submission).

Allele frequency attached by ClinVar (database versions not stated): gnomAD exomes below 0.00001.
gnomAD v4.1: 3 of 1,551,728 alleles (0.00019%); highest among the groups gnomAD compares: East Asian, 0.0024%; no homozygotes.

Submission:

Laboratory for Molecular Medicine, Mass General Brigham Personalized Medicine
Classification: Uncertain significance. Last evaluated: 2019-02-05. Review status: criteria provided, single submitter. Criteria: LMM Criteria. Collection method: clinical testing. Allele origin: germline. Observed: 1 variant allele.
Comment: The p.Asp1912Glu variant in LOXHD1 has not been previously reported in individuals with hearing loss and was absent from large population studies. Computational prediction tools and conservation analysis suggest that this variant may impact the protein, though this information is not predictive enough to determine pathogenicity. In summary, the clinical significance of the p.Asp1912Glu variant is uncertain. ACMG/AMP Criteria applied: PM2, PP3.

NM_001384474.1(LOXHD1):c.5922C>A (p.Asp1974Glu)

Gene: LOXHD1 (lipoxygenase homology PLAT domains 1; minus strand). Cytogenetic location: 18q21.1.
Variant type: single nucleotide variant.
Coding change: c.5922C>A on transcript NM_001384474.1 (MANE Select); coding-DNA position 5922, C replaced by A.
Protein change: p.Asp1974Glu; replaces aspartic acid 1974 with glutamic acid.
Molecular consequence: missense variant.
Genome position (GRCh38, 1-based): chr18:46,489,099, G>T on the plus strand (C>A on the coding strand, the complement: LOXHD1 is on the minus strand). VCF-style: chr18-46489099-G-T. GRCh37 (hg19) VCF-style: chr18-44069062-G-T.
Other names: c.2589C>A, p.Asp863Glu (NM_001145472.3); c.639C>A, p.Asp213Glu (NM_001145473.3, NM_001173129.2); c.2301C>A, p.Asp767Glu (NM_001308013.2); c.5736C>A, p.Asp1912Glu (NM_144612.7); short protein forms D213E, D863E, D1912E, D767E, D1974E.
Identifiers: ClinVar variation 666853 (VCV000666853.5), dbSNP rs1598827375, ClinGen allele CA402366788.